The following is an entry in ClinVar:

NM_002850.4(PTPRS):c.4194+9A>C

Gene: PTPRS (protein tyrosine phosphatase receptor type S; minus strand). Cytogenetic location: 19p13.3.
Variant type: single nucleotide variant.
Coding change: c.4194+9A>C on transcript NM_002850.4 (MANE Select); 9 bases into the intron after coding-DNA position 4194, A replaced by C.
Molecular consequence: intron variant.
Genome position (GRCh38, 1-based): chr19:5,215,489, T>G on the plus strand (A>C on the coding strand, the complement: PTPRS is on the minus strand). VCF-style: chr19-5215489-T-G. GRCh37 (hg19) VCF-style: chr19-5215500-T-G.
Other names: c.2853+9A>C (NM_130853.3); c.4068+9A>C (NM_001394013.1); c.4080+9A>C (NM_130854.3); c.4128+9A>C (NM_001394011.1); c.4107+9A>C (NM_001394012.1); c.2865+9A>C (NM_130855.3).
Identifiers: ClinVar variation 3041692 (VCV003041692.2), dbSNP rs2041342873, ClinGen allele CA992924615.

ClinVar aggregate classification (germline): Likely benign (0 of 4 stars; one submission).

Conditions:
PTPRS-related disorder. Also called: PTPRS-related condition.

Submission:

PreventionGenetics, part of Exact Sciences
Classification: Likely benign for PTPRS-related condition. Last evaluated: 2019-06-25. Review status: no assertion criteria provided. Collection method: clinical testing. Allele origin: germline.
Comment: This variant is classified as likely benign based on ACMG/AMP sequence variant interpretation guidelines (Richards et al. 2015 PMID: 25741868, with internal and published modifications).